The following is an entry in ClinVar:

NM_024598.4(USB1):c.434T>G (p.Met145Arg)

Gene: USB1 (U6 snRNA biogenesis phosphodiesterase 1; plus strand). Cytogenetic location: 16q21.
Variant type: single nucleotide variant.
Coding change: c.434T>G on transcript NM_024598.4 (MANE Select); coding-DNA position 434, T replaced by G.
Protein change: p.Met145Arg; replaces methionine 145 with arginine.
Molecular consequence: missense variant.
Genome position (GRCh38, 1-based): chr16:58,010,097, T>G. VCF-style: chr16-58010097-T-G. GRCh37 (hg19) VCF-style: chr16-58044001-T-G.
Other names: c.434T>G, p.Met145Arg (NM_001195302.2, NM_001204911.2, NM_001330569.2); c.281T>G, p.Met94Arg (NM_001330568.2); short protein forms M145R, M94R.
Identifiers: ClinVar variation 4196804 (VCV004196804.1).

ClinVar aggregate classification (germline): Uncertain significance (1 of 4 stars; one submission).

Conditions:
Inborn genetic diseases. Identifiers: MedGen C0950123, MeSH D030342.

Submission:

Ambry Genetics
Classification: Uncertain significance for Inborn genetic diseases. Last evaluated: 2025-07-28. Review status: criteria provided, single submitter. Criteria: Ambry Variant Classification Scheme 2023. Collection method: clinical testing. Allele origin: germline.
Comment: The p.M145R variant (also known as c.434T>G), located in coding exon 3 of the USB1 gene, results from a T to G substitution at nucleotide position 434. The methionine at codon 145 is replaced by arginine, an amino acid with similar properties. This amino acid position is conserved. In addition, this alteration is predicted to be tolerated by in silico analysis. Based on the available evidence, the clinical significance of this variant remains unclear.